The following is an entry in ClinVar:

ClinVar aggregate classification (germline): Uncertain significance (1 of 4 stars; one submission).

Allele frequency attached by ClinVar (database versions not stated): gnomAD exomes below 0.00001.
gnomAD v4.1: 1 of 1,608,372 alleles (0.000062%); highest among the groups gnomAD compares: Non-Finnish European, 0.000085%; no homozygotes.

Submission:

CeGaT Center for Human Genetics Tuebingen
Classification: Uncertain significance. Last evaluated: 2024-02-01. Review status: criteria provided, single submitter. Criteria: CeGaT Center For Human Genetics Tuebingen Variant Classification Criteria Version 2. Collection method: clinical testing. Allele origin: germline. Affected: yes. Observed: 1 variant allele.
Comment: FLNC: PM2

NM_001458.5(FLNC):c.7244G>C (p.Ser2415Thr)

Genes: FLNC (filamin C; plus strand), FLNC-AS1 (FLNC antisense RNA 1; minus strand). Cytogenetic location: 7q32.1.
Variant type: single nucleotide variant.
Coding change: c.7244G>C on transcript NM_001458.5 (MANE Select); coding-DNA position 7244, G replaced by C.
Protein change: p.Ser2415Thr; replaces serine 2415 with threonine.
Molecular consequence: missense variant.
Genome position (GRCh38, 1-based): chr7:128,855,307, G>C. VCF-style: chr7-128855307-G-C. GRCh37 (hg19) VCF-style: chr7-128495361-G-C.
Other names: c.7145G>C, p.Ser2382Thr (NM_001127487.2); short protein forms S2382T, S2415T.
Identifiers: ClinVar variation 3027265 (VCV003027265.22), dbSNP rs2536667451, ClinGen allele CA369216094.